The following is an entry in ClinVar:

ClinVar aggregate classification (germline): Uncertain significance (1 of 4 stars; one submission).

Conditions:
TTN-related disorder. Also called: TTN-related disorders; TTN-related condition; TTN-related disease.

gnomAD v4.1: 13 of 1,613,646 alleles (0.00081%); highest among the groups gnomAD compares: South Asian, 0.013%; no homozygotes.

Submission:

PreventionGenetics, part of Exact Sciences
Classification: Uncertain significance for TTN-related condition. Last evaluated: 2025-11-17. Review status: criteria provided, single submitter. Criteria: ACMG Guidelines, 2015. Collection method: clinical testing. Allele origin: germline.
Comment: The TTN c.99356A>G variant is predicted to result in the amino acid substitution p.Gln33119Arg. To our knowledge, this variant has not been reported in the literature. This variant is reported in 0.020% of alleles in individuals of South Asian descent in gnomAD. At this time, the clinical significance of this variant is uncertain due to the absence of conclusive functional and genetic evidence.

NM_001267550.2(TTN):c.99356A>G (p.Gln33119Arg)

Genes: TTN (titin; minus strand), TTN-AS1 (TTN antisense RNA 1; plus strand). Cytogenetic location: 2q31.2.
Variant type: single nucleotide variant.
Coding change: c.99356A>G on transcript NM_001267550.2 (MANE Select); coding-DNA position 99356, A replaced by G.
Protein change: p.Gln33119Arg; replaces glutamine 33119 with arginine.
Molecular consequence: missense variant.
Genome position (GRCh38, 1-based): chr2:178,537,851, T>C on the plus strand (A>G on the coding strand, the complement: TTN is on the minus strand). VCF-style: chr2-178537851-T-C. GRCh37 (hg19) VCF-style: chr2-179402578-T-C.
Other names: c.94433A>G, p.Gln31478Arg (NM_001256850.1); c.72161A>G, p.Gln24054Arg (NM_003319.4); c.91652A>G, p.Gln30551Arg (NM_133378.4); c.72536A>G, p.Gln24179Arg (NM_133432.3); c.72737A>G, p.Gln24246Arg (NM_133437.4); short protein forms Q24054R, Q30551R, Q31478R, Q24179R, Q24246R, Q33119R.
Identifiers: ClinVar variation 4985725 (VCV004985725.1).
Genomic context (GRCh38, chr2:178,537,851, plus strand): 5'-TTACCAAATCTGTACCATTTAATGTCAGGAAGAGGCCTTCCAACAATCTGGCATGAGAGT[T>C]GAGCAGCTTCACCCAATTTTGTGGTAACATCCTTCATTTCTTTGCGTATTCCTGGGGCCT-3'
Protein context (NP_001254479.2, residues 33109-33129): DVTTKLGEAA[Gln33119Arg]LSCQIVGRPL